The following is an entry in ClinVar:

NM_001082486.2(ACD):c.875C>G (p.Thr292Ser)

Gene: ACD (ACD shelterin complex subunit and telomerase recruitment factor; minus strand). Cytogenetic location: 16q22.1.
Variant type: single nucleotide variant.
Coding change: c.875C>G on transcript NM_001082486.2 (MANE Select); coding-DNA position 875, C replaced by G.
Protein change: p.Thr292Ser; replaces threonine 292 with serine.
Molecular consequence: missense variant.
Genome position (GRCh38, 1-based): chr16:67,658,317, G>C on the plus strand (C>G on the coding strand, the complement: ACD is on the minus strand). VCF-style: chr16-67658317-G-C. GRCh37 (hg19) VCF-style: chr16-67692220-G-C.
Other names: c.788C>G, p.Thr263Ser (NM_001410884.1); c.866C>G, p.Thr289Ser (NM_022914.3); short protein forms T289S, T263S, T292S.
Identifiers: ClinVar variation 2904606 (VCV002904606.3), dbSNP rs375173439, ClinGen allele CA283217363.
Genomic context (GRCh38, chr16:67,658,317, plus strand): 5'-CTGCTTCTCTGCCCTGGGTCTGGAGCAGCCAAGGACAGGGCAGGCAGAAGGCTGATGCTG[G>C]TACCACTTTCCTCGGATGACATGTGGCCGGGTAAGGCCGGGGTTCCTGAGGAGGAGGGGA-3'
Protein context (NP_001075955.2, residues 282-302): PGHMSSEESG[Thr292Ser]SISLLPALSL

ClinVar aggregate classification (germline): Uncertain significance (1 of 4 stars; one submission).

Conditions:
Dyskeratosis congenita, autosomal dominant 6 (DKCA6). Identifiers: Orphanet 3322, MedGen C4225284, MONDO:0014690, OMIM 616553.

Allele frequency attached by ClinVar (database versions not stated): gnomAD exomes below 0.00001; TOPMed below 0.00001; ESP Exome Variant Server 0.00008.

Submission:

Labcorp Genetics (formerly Invitae), Labcorp
Classification: Uncertain significance for Dyskeratosis congenita, autosomal dominant 6. Last evaluated: 2023-08-08. Review status: criteria provided, single submitter. Criteria: Invitae Variant Classification Sherloc (09022015). Collection method: clinical testing. Allele origin: germline.
Comment: In summary, the available evidence is currently insufficient to determine the role of this variant in disease. Therefore, it has been classified as a Variant of Uncertain Significance. This sequence change replaces threonine, which is neutral and polar, with serine, which is neutral and polar, at codon 378 of the ACD protein (p.Thr378Ser). This variant is present in population databases (rs375173439, gnomAD 0.003%). This variant has not been reported in the literature in individuals affected with ACD-related conditions. Advanced modeling of protein sequence and biophysical properties (such as structural, functional, and spatial information, amino acid conservation, physicochemical variation, residue mobility, and thermodynamic stability) performed at Invitae indicates that this missense variant is not expected to disrupt ACD protein function.